The following is an entry in ClinVar:

ClinVar aggregate classification (germline): Uncertain significance (1 of 4 stars; one submission).

gnomAD v4.1: 1 of 1,614,076 alleles (0.000062%); highest among the groups gnomAD compares: Non-Finnish European, 0.000085%; no homozygotes.

Submission:

Women's Health and Genetics/Laboratory Corporation of America, LabCorp
Classification: Uncertain significance. Last evaluated: 2025-12-26. Review status: criteria provided, single submitter. Criteria: LabCorp Variant Classification Summary - May 2015. Collection method: clinical testing. Allele origin: germline.
Comment: Variant summary: RAG1 c.2561G>A (p.Gly854Asp) results in a non-conservative amino acid change in the encoded protein sequence. Algorithms developed to predict the effect of missense changes on protein structure and function all suggest that this variant is likely to be disruptive. The variant allele was found at a frequency of 4e-06 in 250954 control chromosomes. The available data on variant occurrences in the general population are insufficient to allow any conclusion about variant significance. c.2561G>A has been observed in individual(s) affected with Severe Combined Immunodeficiency (example: Luk_2017). These data do not allow any conclusion about variant significance. To our knowledge, no experimental evidence demonstrating an impact on protein function has been reported. The following publication has been ascertained in the context of this evaluation (PMID: 28747913). No submitters have cited clinical-significance assessments for this variant to ClinVar. Based on the evidence outlined above, the variant was classified as uncertain significance.

Literature cited by the submitters: PubMed 28747913.

NM_000448.3(RAG1):c.2561G>A (p.Gly854Asp)

Gene: RAG1 (recombination activating 1; plus strand). Cytogenetic location: 11p12.
Variant type: single nucleotide variant.
Coding change: c.2561G>A on transcript NM_000448.3 (MANE Select); coding-DNA position 2561, G replaced by A.
Protein change: p.Gly854Asp; replaces glycine 854 with aspartic acid.
Molecular consequence: missense variant.
Genome position (GRCh38, 1-based): chr11:36,575,865, G>A. VCF-style: chr11-36575865-G-A. GRCh37 (hg19) VCF-style: chr11-36597415-G-A.
Other names: c.2561G>A, p.Gly854Asp (NM_001377277.1, NM_001377278.1, NM_001377279.1 and 3 more transcripts); short protein forms G854D.
Identifiers: ClinVar variation 4688824 (VCV004688824.1).
Genomic context (GRCh38, chr11:36,575,865, plus strand): 5'-CCACACTGGACAAGCATCTCCGGAAGAAGATGAACCTCAAACCAATCATGAGGATGAATG[G>A]CAACTTTGCCAGGAAGCTCATGACCAAAGAGACTGTGGATGCAGTTTGTGAGTTAATTCC-3'
Protein context (NP_000439.2, residues 844-864): MNLKPIMRMN[Gly854Asp]NFARKLMTKE